The following is an entry in ClinVar:

NM_001329943.3(KIAA0586):c.4225del (p.Glu1409fs)

Gene: KIAA0586 (KIAA0586; plus strand). Cytogenetic location: 14q23.1.
Variant type: Deletion.
Coding change: c.4225del on transcript NM_001329943.3 (MANE Select); coding-DNA position 4225, one base deleted (G; older notation c.4225delG).
Protein change: p.Glu1409fs; shifts the reading frame from glutamic acid 1409.
Molecular consequence: frameshift variant.
Genome position (GRCh38, 1-based): chr14:58,508,611, G deleted; the last of 2 consecutive G bases (chr14:58,508,610-58,508,611); deleting either gives the same sequence. VCF-style (leftmost placement, unchanged base first): chr14-58508609-TG-T. GRCh37 (hg19) VCF-style: chr14-58975327-TG-T.
Other names: c.4384del, p.Glu1462fs (NM_001244189.2); c.4180del, p.Glu1394fs (NM_001244190.2); c.3970del, p.Glu1324fs (NM_001244191.2, NM_001329945.2, NM_001364700.1 and 1 more transcripts); c.4093del, p.Glu1365fs (NM_001244192.2, NM_001329947.2); c.3805del, p.Glu1269fs (NM_001244193.2); c.4225del, p.Glu1409fs (NM_001329944.2, NM_001329946.2); c.3997del, p.Glu1333fs (NM_014749.5); short protein forms E1333fs, E1269fs, E1394fs, E1409fs, E1324fs, E1365fs, E1462fs.
Identifiers: ClinVar variation 1453784 (VCV001453784.6), dbSNP rs2141430525, ClinGen allele CA2573150072.
Genomic context (GRCh38, chr14:58,508,609, plus strand): 5'-TAACAGGTAGTATTTATGAAGATTCATGTGCTAGTCATGGTCCAATGAGTTTGGGAGAAT[TG>T]GAGTTGGAGCCAAATTCTAAGCTGGTTCTTCCCACAACACTTCTGACAGCACAAGAAAAT-3'

ClinVar aggregate classification (germline): Pathogenic (1 of 4 stars; one submission).

Conditions:
Joubert syndrome 23 (JBTS23). Identifiers: Orphanet 475, MedGen C4084822, MONDO:0014664, OMIM 616490.
Short-rib thoracic dysplasia 14 with polydactyly (SRTD14). Identifiers: Orphanet 397715, MedGen C4225286, MONDO:0014688, OMIM 616546.

Submission:

Labcorp Genetics (formerly Invitae), Labcorp
Classification: Pathogenic for Joubert syndrome 23; Short-rib thoracic dysplasia 14 with polydactyly. Last evaluated: 2021-02-08. Review status: criteria provided, single submitter. Criteria: Invitae Variant Classification Sherloc (09022015). Collection method: clinical testing. Allele origin: germline.
Comment: This sequence change creates a premature translational stop signal (p.Glu1462Serfs*15) in the KIAA0586 gene. It is expected to result in an absent or disrupted protein product. Loss-of-function variants in KIAA0586 are known to be pathogenic (PMID: 26096313, 26166481, 26386044). This variant is not present in population databases (ExAC no frequency). This variant has not been reported in the literature in individuals with KIAA0586-related conditions. For these reasons, this variant has been classified as Pathogenic.

Literature cited by the submitters: PubMed 26096313; PubMed 26166481; PubMed 26386044.